The following is an entry in ClinVar:

NM_001131016.2(CIZ1):c.2333G>C (p.Gly778Ala)

Gene: CIZ1 (CDKN1A interacting zinc finger protein 1; minus strand). Cytogenetic location: 9q34.11.
Variant type: single nucleotide variant.
Coding change: c.2333G>C on transcript NM_001131016.2 (MANE Select); coding-DNA position 2333, G replaced by C.
Protein change: p.Gly778Ala; replaces glycine 778 with alanine.
Molecular consequence: missense variant.
Genome position (GRCh38, 1-based): chr9:128,167,127, C>G on the plus strand (G>C on the coding strand, the complement: CIZ1 is on the minus strand). VCF-style: chr9-128167127-C-G. GRCh37 (hg19) VCF-style: chr9-130929406-C-G.
Other names: c.2165G>C, p.Gly722Ala (NM_001131015.2); c.2150G>C, p.Gly717Ala (NM_001131017.2); c.2093G>C, p.Gly698Ala (NM_001131018.2); c.2501G>C, p.Gly834Ala (NM_001257975.2); c.2030G>C, p.Gly677Ala (NM_001257976.2); c.2333G>C, p.Gly778Ala (NM_012127.3); short protein forms G717A, G698A, G722A, G677A, G778A, G834A.
Identifiers: ClinVar variation 3704880 (VCV003704880.2).

ClinVar aggregate classification (germline): Uncertain significance (1 of 4 stars; one submission).

Conditions:
Dystonic disorder. Also called: Dystonia. Identifiers: MedGen C0013421, MONDO:0003441, HP:0001332.

gnomAD v4.1: 82 of 1,602,580 alleles (0.0051%); highest among the groups gnomAD compares: Admixed American, 0.0069%; no homozygotes.

Submission:

Labcorp Genetics (formerly Invitae), Labcorp
Classification: Uncertain significance for Dystonic disorder. Last evaluated: 2025-03-27. Review status: criteria provided, single submitter. Criteria: Invitae Variant Classification Sherloc (09022015). Collection method: clinical testing. Allele origin: germline.
Comment: This sequence change replaces glycine, which is neutral and non-polar, with alanine, which is neutral and non-polar, at codon 778 of the CIZ1 protein (p.Gly778Ala). This variant is present in population databases (rs199622355, gnomAD 0.01%). This variant has not been reported in the literature in individuals affected with CIZ1-related conditions. An algorithm developed to predict the effect of missense changes on protein structure and function (PolyPhen-2) suggests that this variant is likely to be tolerated. In summary, the available evidence is currently insufficient to determine the role of this variant in disease. Therefore, it has been classified as a Variant of Uncertain Significance.